The following is an entry in ClinVar:

ClinVar aggregate classification (germline): Uncertain significance (1 of 4 stars; one submission).

Submission:

GeneDx
Classification: Uncertain significance. Last evaluated: 2026-05-23. Review status: criteria provided, single submitter. Criteria: GeneDx Variant Classification Process June 2021. Collection method: clinical testing. Allele origin: germline.
Comment: Not observed at significant frequency in large population cohorts (gnomAD); In silico analysis suggests that this missense variant does not alter protein structure/function; Has not been previously published as pathogenic or benign to our knowledge

NM_139319.3(SLC17A8):c.25T>G (p.Phe9Val)

Gene: SLC17A8 (solute carrier family 17 member 8; plus strand). Cytogenetic location: 12q23.1.
Variant type: single nucleotide variant.
Coding change: c.25T>G on transcript NM_139319.3 (MANE Select); coding-DNA position 25, T replaced by G.
Protein change: p.Phe9Val; replaces phenylalanine 9 with valine.
Molecular consequence: missense variant.
Genome position (GRCh38, 1-based): chr12:100,357,416, T>G. VCF-style: chr12-100357416-T-G. GRCh37 (hg19) VCF-style: chr12-100751194-T-G.
Other names: c.25T>G, p.Phe9Val (NM_001145288.2); short protein forms F9V.
Identifiers: ClinVar variation 4072662 (VCV004072662.2).